The following is an entry in ClinVar:

ClinVar aggregate classification (germline): Uncertain significance (1 of 4 stars; one submission).

Submission:

Dasa
Classification: Uncertain significance. Last evaluated: 2024-06-20. Review status: criteria provided, single submitter. Criteria: DASA Assertion Criteria. Collection method: clinical testing. Allele origin: germline.
Comment: NM_002693.3(POLG):c.2588G>T (p.Ser863Ile) is a missense variant that results in the substitution of serine with isoleucine. This variant is absent from population databases. Computational prediction algorithms are consistent with a deleterious effect. The currently available literature and clinical evidence are not sufficient to establish a definitive association between this variant and the reported condition. Therefore, this variant is classified as a variant of uncertain significance.

NM_002693.3(POLG):c.2588G>T (p.Ser863Ile)

Gene: POLG (DNA polymerase gamma, catalytic subunit; minus strand). Cytogenetic location: 15q26.1.
Variant type: single nucleotide variant.
Coding change: c.2588G>T on transcript NM_002693.3 (MANE Select); coding-DNA position 2588, G replaced by T.
Protein change: p.Ser863Ile; replaces serine 863 with isoleucine.
Molecular consequence: missense variant.
Genome position (GRCh38, 1-based): chr15:89,321,746, C>A on the plus strand (G>T on the coding strand, the complement: POLG is on the minus strand). VCF-style: chr15-89321746-C-A. GRCh37 (hg19) VCF-style: chr15-89864977-C-A.
Other names: c.2588G>T, p.Ser863Ile (NM_001126131.2); short protein forms S863I.
Identifiers: ClinVar variation 4885859 (VCV004885859.2).